The following is an entry in ClinVar:

ClinVar aggregate classification (germline): Uncertain significance. Review status: criteria provided, multiple submitters, no conflicts (2 of 4 stars). 2 submissions from 2 submitters: Uncertain significance (2). Last evaluated 2025-12-31.

Conditions:
Intellectual developmental disorder with hypertelorism and distinctive facies. Identifiers: MedGen C4748381, MONDO:0029143, OMIM 618147.

gnomAD v4.1: 5 of 1,611,934 alleles (0.00031%); highest among the groups gnomAD compares: Non-Finnish European, 0.00042%; no homozygotes.

Submissions (2):

Laboratorio de Genetica e Diagnostico Molecular, Hospital Israelita Albert Einstein
Classification: Uncertain significance for Intellectual developmental disorder with hypertelorism and distinctive facies. Last evaluated: 2025-12-31. Review status: criteria provided, single submitter. Criteria: ACMG Guidelines, 2015. Collection method: clinical testing. Allele origin: germline. Affected: yes.
Comment: ACMG classification criteria: PM2 supporting, PP3 supporting

Women's Health and Genetics/Laboratory Corporation of America, LabCorp
Classification: Uncertain significance. Last evaluated: 2025-01-24. Review status: criteria provided, single submitter. Criteria: LabCorp Variant Classification Summary - May 2015. Collection method: clinical testing. Allele origin: germline.
Comment: Variant summary: CCNK c.238C>T (p.Arg80Cys) results in a non-conservative amino acid change located in the Cyclin_C (IPR004367) of the encoded protein sequence. Five of five in-silico tools predict a damaging effect of the variant on protein function. The variant was absent in 248240 control chromosomes. The available data on variant occurrences in the general population are insufficient to allow any conclusion about variant significance. To our knowledge, no occurrence of c.238C>T in individuals affected with Intellectual Developmental Disorder With Hypertelorism And Distinctive Facies and no experimental evidence demonstrating its impact on protein function have been reported. No submitters have cited clinical-significance assessments for this variant to ClinVar. Based on the evidence outlined above, the variant was classified as uncertain significance.

NM_001099402.2(CCNK):c.238C>T (p.Arg80Cys)

Gene: CCNK (cyclin K; plus strand). Cytogenetic location: 14q32.2.
Variant type: single nucleotide variant.
Coding change: c.238C>T on transcript NM_001099402.2 (MANE Select); coding-DNA position 238, C replaced by T.
Protein change: p.Arg80Cys; replaces arginine 80 with cysteine.
Molecular consequence: missense variant.
Genome position (GRCh38, 1-based): chr14:99,493,554, C>T. VCF-style: chr14-99493554-C-T. GRCh37 (hg19) VCF-style: chr14-99959891-C-T.
Other names: short protein forms R80C.
Identifiers: ClinVar variation 3769436 (VCV003769436.3).